The following is an entry in ClinVar:

ClinVar aggregate classification (germline): Uncertain significance. Review status: criteria provided, multiple submitters, no conflicts (2 of 4 stars). 2 submissions from 2 submitters: Uncertain significance (2). Last evaluated 2021-08-27.

Conditions:
Hereditary cancer-predisposing syndrome. Also called: Tumor predisposition; Hereditary Cancer Syndrome; Hereditary neoplastic syndrome; Neoplastic Syndromes, Hereditary. Identifiers: Orphanet 140162, MedGen C0027672, MeSH D009386, MONDO:0015356.
BAP1-related tumor predisposition syndrome (TPDS1). Also called: Tumor susceptibility linked to germline BAP1 mutations; BAP1 tumor predisposition syndrome; COMMON Syndrome; TUMOR PREDISPOSITION SYNDROME 1. Identifiers: Orphanet 289539, MedGen C3280492, MONDO:0013692, OMIM 614327.

Allele frequency attached by ClinVar (database versions not stated): gnomAD exomes below 0.00001; ExAC 0.00001; gnomAD 0.00001; TOPMed 0.00001; ESP Exome Variant Server 0.00008.
gnomAD v4.1: 3 of 1,614,140 alleles (0.00019%); highest among the groups gnomAD compares: Non-Finnish European, 0.00025%; no homozygotes.

Submissions (2):

Labcorp Genetics (formerly Invitae), Labcorp
Classification: Uncertain significance for BAP1-related tumor predisposition syndrome. Last evaluated: 2021-08-27. Review status: criteria provided, single submitter. Criteria: Invitae Variant Classification Sherloc (09022015). Collection method: clinical testing. Allele origin: germline.
Comment: This sequence change replaces lysine with arginine at codon 658 of the BAP1 protein (p.Lys658Arg). The lysine residue is highly conserved and there is a small physicochemical difference between lysine and arginine. This variant is present in population databases (rs372282516, ExAC 0.001%). This variant has not been reported in the literature in individuals affected with BAP1-related conditions. Algorithms developed to predict the effect of missense changes on protein structure and function are either unavailable or do not agree on the potential impact of this missense change (SIFT: "Tolerated"; PolyPhen-2: "Probably Damaging"; Align-GVGD: "Class C0"). In summary, the available evidence is currently insufficient to determine the role of this variant in disease. Therefore, it has been classified as a Variant of Uncertain Significance.

Ambry Genetics
Classification: Uncertain significance for Hereditary cancer-predisposing syndrome. Last evaluated: 2019-11-14. Review status: criteria provided, single submitter. Criteria: Ambry Variant Classification Scheme 2023. Collection method: clinical testing. Allele origin: germline.
Comment: The p.K658R variant (also known as c.1973A>G), located in coding exon 15 of the BAP1 gene, results from an A to G substitution at nucleotide position 1973. The lysine at codon 658 is replaced by arginine, an amino acid with highly similar properties. This amino acid position is highly conserved in available vertebrate species. In addition, this alteration is predicted to be tolerated by in silico analysis. Since supporting evidence is limited at this time, the clinical significance of this alteration remains unclear.

NM_004656.4(BAP1):c.1973A>G (p.Lys658Arg)

Gene: BAP1 (BRCA1 associated deubiquitinase 1; minus strand). Cytogenetic location: 3p21.1.
Variant type: single nucleotide variant.
Coding change: c.1973A>G on transcript NM_004656.4 (MANE Select); coding-DNA position 1973, A replaced by G.
Protein change: p.Lys658Arg; replaces lysine 658 with arginine.
Molecular consequence: missense variant.
Genome position (GRCh38, 1-based): chr3:52,402,789, T>C on the plus strand (A>G on the coding strand, the complement: BAP1 is on the minus strand). VCF-style: chr3-52402789-T-C. GRCh37 (hg19) VCF-style: chr3-52436805-T-C.
Other names: short protein forms K658R.
Identifiers: ClinVar variation 1479665 (VCV001479665.7), dbSNP rs372282516, ClinGen allele CA2436649.